The following is an entry in ClinVar:

ClinVar aggregate classification (germline): Uncertain significance. Review status: criteria provided, multiple submitters, no conflicts (2 of 4 stars). 2 submissions from 2 submitters: Uncertain significance (2). Last evaluated 2025-04-25.

Conditions:
Myopathy, proximal, and ophthalmoplegia (CMYO6). Also called: CONGENITAL MYOPATHY 6 WITH OPHTHALMOPLEGIA; INCLUSION BODY MYOPATHY 3, AUTOSOMAL DOMINANT; MYOPATHY WITH CONGENITAL JOINT CONTRACTURES, OPHTHALMOPLEGIA, AND RIMMED VACUOLES. Identifiers: Orphanet 363677, Orphanet 79091, MedGen C1854106, MONDO:0011577, OMIM 605637.
Inborn genetic diseases. Identifiers: MedGen C0950123, MeSH D030342.

Allele frequency attached by ClinVar (database versions not stated): gnomAD exomes 0.00001; TOPMed 0.00002.
gnomAD v4.1: 4 of 1,613,850 alleles (0.00025%); highest among the groups gnomAD compares: East Asian, 0.0089%; no homozygotes.

Submissions (2):

Ambry Genetics
Classification: Uncertain significance for Inborn genetic diseases. Last evaluated: 2025-04-25. Review status: criteria provided, single submitter. Criteria: Ambry Variant Classification Scheme 2023. Collection method: clinical testing. Allele origin: germline.

Labcorp Genetics (formerly Invitae), Labcorp
Classification: Uncertain significance for Myopathy, proximal, and ophthalmoplegia. Last evaluated: 2023-12-31. Review status: criteria provided, single submitter. Criteria: Invitae Variant Classification Sherloc (09022015). Collection method: clinical testing. Allele origin: germline.
Comment: This sequence change replaces glutamic acid, which is acidic and polar, with glutamine, which is neutral and polar, at codon 1259 of the MYH2 protein (p.Glu1259Gln). This variant is not present in population databases (gnomAD no frequency). This variant has not been reported in the literature in individuals affected with MYH2-related conditions. Advanced modeling of protein sequence and biophysical properties (such as structural, functional, and spatial information, amino acid conservation, physicochemical variation, residue mobility, and thermodynamic stability) performed at Invitae indicates that this missense variant is not expected to disrupt MYH2 protein function with a negative predictive value of 80%. In summary, the available evidence is currently insufficient to determine the role of this variant in disease. Therefore, it has been classified as a Variant of Uncertain Significance.

NM_017534.6(MYH2):c.3775G>C (p.Glu1259Gln)

Genes: MYHAS (myosin heavy chain gene cluster antisense RNA; plus strand), MYH2 (myosin heavy chain 2; minus strand). Cytogenetic location: 17p13.1.
Variant type: single nucleotide variant.
Coding change: c.3775G>C on transcript NM_017534.6 (MANE Select); coding-DNA position 3775, G replaced by C.
Protein change: p.Glu1259Gln; replaces glutamic acid 1259 with glutamine.
Molecular consequence: missense variant.
Genome position (GRCh38, 1-based): chr17:10,527,844, C>G on the plus strand (G>C on the coding strand, the complement: MYH2 is on the minus strand). VCF-style: chr17-10527844-C-G. GRCh37 (hg19) VCF-style: chr17-10431161-C-G.
Other names: c.3775G>C (NM_017534.5); c.3775G>C, p.Glu1259Gln (NM_001100112.2); short protein forms E1259Q.
Identifiers: ClinVar variation 2848258 (VCV002848258.4), dbSNP rs1481917316, ClinGen allele CA398132072.